The following is an entry in ClinVar:

ClinVar aggregate classification (germline): Uncertain significance (0 of 4 stars; one submission).

Conditions:
LACTB2-related condition.

gnomAD v4.1: 1 of 1,601,908 alleles (0.000062%); highest among the groups gnomAD compares: South Asian, 0.0011%; no homozygotes.

Submission:

PreventionGenetics, part of Exact Sciences
Classification: Uncertain significance for LACTB2-related condition. Last evaluated: 2024-03-18. Review status: no assertion criteria provided. Collection method: clinical testing. Allele origin: germline.
Comment: The LACTB2 c.610C>A variant is predicted to result in the amino acid substitution p.His204Asn. To our knowledge, this variant has not been reported in the literature or in a large population database, indicating this variant is rare. At this time, the clinical significance of this variant is uncertain due to the absence of conclusive functional and genetic evidence.

NM_016027.3(LACTB2):c.610C>A (p.His204Asn)

Genes: LACTB2 (lactamase beta 2; minus strand), LACTB2-AS1 (LACTB2 antisense RNA 1; plus strand). Cytogenetic location: 8q13.3.
Variant type: single nucleotide variant.
Coding change: c.610C>A on transcript NM_016027.3 (MANE Select); coding-DNA position 610, C replaced by A.
Protein change: p.His204Asn; replaces histidine 204 with asparagine.
Molecular consequence: missense variant.
Genome position (GRCh38, 1-based): chr8:70,641,033, G>T on the plus strand (C>A on the coding strand, the complement: LACTB2 is on the minus strand). VCF-style: chr8-70641033-G-T. GRCh37 (hg19) VCF-style: chr8-71553268-G-T.
Other names: short protein forms H204N.
Identifiers: ClinVar variation 3358727 (VCV003358727.1).